The following is an entry in ClinVar:

ClinVar aggregate classification (germline): Benign. Review status: criteria provided, multiple submitters, no conflicts (2 of 4 stars). 2 submissions from 2 submitters: Benign (2). Last evaluated 2018-06-15.

Allele frequency attached by ClinVar (database versions not stated): 1000 Genomes Project 30x 0.33385; 1000 Genomes Project 0.33706; TOPMed 0.39379; gnomAD 0.39605; gnomAD exomes 0.47235.
gnomAD v4.1: 552,185 of 1,195,958 alleles (46%); highest among the groups gnomAD compares: Admixed American, 56%; 131,804 homozygotes.

Submissions (2):

GeneDx
Classification: Benign. Last evaluated: 2018-06-15. Review status: criteria provided, single submitter. Criteria: GeneDx Variant Classification (06012015). Collection method: clinical testing. Allele origin: germline. Affected: yes.
Comment: This variant is considered likely benign or benign based on one or more of the following criteria: it is a conservative change, it occurs at a poorly conserved position in the protein, it is predicted to be benign by multiple in silico algorithms, and/or has population frequency not consistent with disease.

Breakthrough Genomics
Classification: Benign. Review status: criteria provided, single submitter. Criteria: ACMG Guidelines, 2015. Collection method: not provided. Allele origin: germline. Inheritance: Autosomal dominant inheritance. Affected: yes.

NM_001035.3(RYR2):c.3807+89A>G

Genes: RYR2 (ryanodine receptor 2; plus strand), LOC126806067 (BRD4-independent group 4 enhancer GRCh37_chr1:237753258-237754457; plus strand). Cytogenetic location: 1q43.
Variant type: single nucleotide variant.
Coding change: c.3807+89A>G on transcript NM_001035.3 (MANE Select); 89 bases into the intron after coding-DNA position 3807, A replaced by G.
Molecular consequence: intron variant.
Genome position (GRCh38, 1-based): chr1:237,590,090, A>G. VCF-style: chr1-237590090-A-G. GRCh37 (hg19) VCF-style: chr1-237753390-A-G.
Identifiers: ClinVar variation 672073 (VCV000672073.2), dbSNP rs2805410, ClinGen allele CA39802285.